The following is an entry in ClinVar:

NM_000260.4(MYO7A):c.2338G>A (p.Gly780Ser)

Gene: MYO7A (myosin VIIA; plus strand). Cytogenetic location: 11q13.5.
Variant type: single nucleotide variant.
Coding change: c.2338G>A on transcript NM_000260.4 (MANE Select); coding-DNA position 2338, G replaced by A.
Protein change: p.Gly780Ser; replaces glycine 780 with serine.
Molecular consequence: missense variant.
Genome position (GRCh38, 1-based): chr11:77,179,100, G>A. VCF-style: chr11-77179100-G-A. GRCh37 (hg19) VCF-style: chr11-76890146-G-A.
Other names: c.2338G>A, p.Gly780Ser (NM_001127180.2); c.2305G>A, p.Gly769Ser (NM_001369365.1); short protein forms G769S, G780S.
Identifiers: ClinVar variation 1374562 (VCV001374562.5), dbSNP rs2135464976, ClinGen allele CA381940979.

ClinVar aggregate classification (germline): Uncertain significance (1 of 4 stars; one submission).

Submission:

Labcorp Genetics (formerly Invitae), Labcorp
Classification: Uncertain significance. Last evaluated: 2022-10-05. Review status: criteria provided, single submitter. Criteria: Invitae Variant Classification Sherloc (09022015). Collection method: clinical testing. Allele origin: germline.
Comment: This sequence change replaces glycine, which is neutral and non-polar, with serine, which is neutral and polar, at codon 780 of the MYO7A protein (p.Gly780Ser). This variant is not present in population databases (gnomAD no frequency). This missense change has been observed in individual(s) with non-syndromic deafness (PMID: 31389194). ClinVar contains an entry for this variant (Variation ID: 1374562). Advanced modeling of protein sequence and biophysical properties (such as structural, functional, and spatial information, amino acid conservation, physicochemical variation, residue mobility, and thermodynamic stability) performed at Invitae indicates that this missense variant is not expected to disrupt MYO7A protein function. In summary, the available evidence is currently insufficient to determine the role of this variant in disease. Therefore, it has been classified as a Variant of Uncertain Significance.

Literature cited by the submitters: PubMed 31389194.